The following is an entry in ClinVar:

ClinVar aggregate classification (germline): Benign. Review status: criteria provided, multiple submitters, no conflicts (2 of 4 stars). 4 submissions from 4 submitters: Benign (4). Last evaluated 2024-07-15.

Conditions:
Congenital microcephaly - severe encephalopathy - progressive cerebral atrophy syndrome. Also called: ASNS DEFICIENCY; Asparagine synthetase deficiency. Identifiers: Orphanet 391376, MedGen C3809971, MONDO:0014258, OMIM 615574.

Allele frequency attached by ClinVar (database versions not stated): gnomAD exomes 0.14036 and 0.14710; ExAC 0.15341; gnomAD 0.16132 and 0.16136; TOPMed 0.16250; ESP Exome Variant Server 0.16416; 1000 Genomes Project 0.17292; 1000 Genomes Project 30x 0.17395.
gnomAD v4.1: 227,345 of 1,594,710 alleles (14%); highest among the groups gnomAD compares: African/African-American, 23%; 17,302 homozygotes.

Submissions (4):

Unidad de Genómica Garrahan, Hospital de Pediatría Garrahan
Classification: Benign. Last evaluated: 2024-07-15. Review status: criteria provided, single submitter. Criteria: ACMG Guidelines, 2015. Collection method: clinical testing. Allele origin: germline. Affected: no. Observed: 21 variant alleles.
Comment: This variant is classified as Benign based on local population frequency. This variant was detected in 23% of patients studied in a panel designed for Epileptic and Developmental Encephalopathy and Progressive Myoclonus Epilepsy. Number of patients: 21. Only high quality variants are reported.

Genome-Nilou Lab
Classification: Benign for Congenital microcephaly - severe encephalopathy - progressive cerebral atrophy syndrome. Last evaluated: 2021-07-10. Review status: criteria provided, single submitter. Criteria: ACMG Guidelines, 2015. Collection method: clinical testing. Allele origin: germline. Affected: no.

GeneDx
Classification: Benign. Last evaluated: 2018-07-15. Review status: criteria provided, single submitter. Criteria: GeneDx Variant Classification Process June 2021. Collection method: clinical testing. Allele origin: germline. Affected: yes.

Breakthrough Genomics
Classification: Benign. Review status: criteria provided, single submitter. Criteria: ACMG Guidelines, 2015. Collection method: not provided. Allele origin: germline. Inheritance: Autosomal recessive inheritance. Affected: yes.

NM_001673.5(ASNS):c.1477-32G>A

Genes: ASNS (asparagine synthetase (glutamine-hydrolyzing); minus strand), CZ1P-ASNS (CZ1P-ASNS readthrough; minus strand). Cytogenetic location: 7q21.3.
Variant type: single nucleotide variant.
Coding change: c.1477-32G>A on transcript NM_001673.5 (MANE Select); 32 bases into the intron before coding-DNA position 1477, G replaced by A.
Molecular consequence: intron variant.
Genome position (GRCh38, 1-based): chr7:97,852,500, C>T on the plus strand (G>A on the coding strand, the complement: ASNS is on the minus strand). VCF-style: chr7-97852500-C-T. GRCh37 (hg19) VCF-style: chr7-97481812-C-T.
Other names: c.1477-32G>A (NM_001352496.2, NM_183356.4, NM_133436.3); c.1228-32G>A (NM_001178076.2, NM_001178077.1); c.1414-32G>A (NM_001178075.2).
Identifiers: ClinVar variation 1185214 (VCV001185214.8), dbSNP rs10486011, ClinGen allele CA4354492.
Genomic context (GRCh38, chr7:97,852,500, plus strand): 5'-GCTGCATTTGCCATCATTGCATCATCAACCTGTAAGAATAAGCATATAAGAGCAAAATGG[C>T]TTAAAATGGCAGGAAATACTTGTGTTTAGTCTCATTTCACGAAACAGAAAATGTTAAGAC-3'